The following is an entry in ClinVar:

ClinVar aggregate classification (germline): Uncertain significance (1 of 4 stars; one submission).

Conditions:
Peroxisome biogenesis disorder 7A (Zellweger). Also called: Peroxisome biogenesis disorder 7A. Identifiers: Orphanet 912, MedGen C3888385, MONDO:0013938, OMIM 614872.
Peroxisome biogenesis disorder 7B (PBD7B). Identifiers: Orphanet 44, MedGen C3553951, MONDO:0013939, OMIM 614873.

Allele frequency attached by ClinVar (database versions not stated): ExAC 0.00001; gnomAD 0.00003; TOPMed 0.00003.

Submission:

Labcorp Genetics (formerly Invitae), Labcorp
Classification: Uncertain significance for Peroxisome biogenesis disorder 7A (Zellweger); Peroxisome biogenesis disorder 7B. Last evaluated: 2022-04-17. Review status: criteria provided, single submitter. Criteria: Invitae Variant Classification Sherloc (09022015). Collection method: clinical testing. Allele origin: germline.
Comment: This sequence change replaces aspartic acid, which is acidic and polar, with asparagine, which is neutral and polar, at codon 305 of the PEX26 protein (p.Asp305Asn). This variant is present in population databases (rs760813836, gnomAD 0.01%). This variant has not been reported in the literature in individuals affected with PEX26-related conditions. Algorithms developed to predict the effect of missense changes on protein structure and function are either unavailable or do not agree on the potential impact of this missense change (SIFT: "Tolerated"; PolyPhen-2: "Possibly Damaging"; Align-GVGD: "Class C0"). In summary, the available evidence is currently insufficient to determine the role of this variant in disease. Therefore, it has been classified as a Variant of Uncertain Significance.

NM_001127649.3(PEX26):c.913G>A (p.Asp305Asn)

Gene: PEX26 (peroxisomal biogenesis factor 26; plus strand). Cytogenetic location: 22q11.21.
Variant type: single nucleotide variant.
Coding change: c.913G>A on transcript NM_001127649.3 (MANE Select); coding-DNA position 913, G replaced by A.
Protein change: p.Asp305Asn; replaces aspartic acid 305 with asparagine.
Molecular consequence: missense variant.
Genome position (GRCh38, 1-based): chr22:18,088,070, G>A. VCF-style: chr22-18088070-G-A. GRCh37 (hg19) VCF-style: chr22-18570836-G-A.
Other names: c.766G>A, p.Asp256Asn (NM_001199319.2); c.913G>A, p.Asp305Asn (NM_017929.6); short protein forms D256N, D305N.
Identifiers: ClinVar variation 2080490 (VCV002080490.1), dbSNP rs760813836, ClinGen allele CA10093454.